The following is an entry in ClinVar:

ClinVar aggregate classification (germline): Benign/Likely benign. Review status: criteria provided, multiple submitters, no conflicts (2 of 4 stars). 5 submissions from 5 submitters: Benign (1); Likely benign (3). 1 of the submissions does not count toward it. Last evaluated 2025-09-28.

Conditions:
MEN1-related disorder. Also called: MEN1-related condition.
Multiple endocrine neoplasia, type 1 (MEN1). Also called: MEA I; MEN I; WERMER SYNDROME; Endocrine adenomatosis multiple; MEN 1. Identifiers: Orphanet 652, MedGen C0025267, MeSH D018761, MONDO:0007540, OMIM 131100.
Hereditary cancer-predisposing syndrome. Also called: Tumor predisposition; Hereditary Cancer Syndrome; Neoplastic Syndromes, Hereditary; Hereditary neoplastic syndrome. Identifiers: Orphanet 140162, MedGen C0027672, MeSH D009386, MONDO:0015356.

Allele frequency attached by ClinVar (database versions not stated): gnomAD exomes below 0.00001 and 0.00001; ExAC 0.00001; gnomAD 0.00003; TOPMed 0.00004; ESP Exome Variant Server 0.00008.
gnomAD v4.1: 7 of 1,613,822 alleles (0.00043%); highest among the groups gnomAD compares: African/African-American, 0.0067%; no homozygotes.

Submissions (5):

Labcorp Genetics (formerly Invitae), Labcorp
Classification: Likely benign for Multiple endocrine neoplasia, type 1. Last evaluated: 2025-09-28. Review status: criteria provided, single submitter. Criteria: Invitae Variant Classification Sherloc (09022015). Collection method: clinical testing. Allele origin: germline.

Myriad Genetics, Inc.
Classification: Benign for Multiple endocrine neoplasia, type 1. Last evaluated: 2024-11-01. Review status: criteria provided, single submitter. Criteria: Myriad Autosomal Dominant, Autosomal Recessive and X-Linked Classification Criteria (2023). Collection method: clinical testing. Allele origin: unknown.
Comment: This variant is considered benign. This variant is a silent/synonymous amino acid change and it is not expected to impact splicing.

All of Us Research Program, National Institutes of Health
Classification: Likely benign for Multiple endocrine neoplasia, type 1. Last evaluated: 2024-05-30. Review status: criteria provided, single submitter. Criteria: ACMG Guidelines, 2015. Collection method: clinical testing. Allele origin: germline. Inheritance: Autosomal dominant inheritance. Observed: 1 variant allele, 1 heterozygote.
Comment: This study involves interpretation of variants in research participants for the purpose of population health screening. Participant phenotype was not available at the time of variant classification. Additional details can be found in publication PMID: 35346344, PMCID: PMC8962531

Ambry Genetics
Classification: Likely benign for Hereditary cancer-predisposing syndrome. Last evaluated: 2020-10-26. Review status: criteria provided, single submitter. Criteria: Ambry Variant Classification Scheme 2023. Collection method: clinical testing. Allele origin: germline.

PreventionGenetics, part of Exact Sciences
Classification: Likely benign for MEN1-related condition. Last evaluated: 2022-07-12. Review status: no assertion criteria provided. Collection method: clinical testing. Allele origin: germline. Not counted in ClinVar's aggregate classification.
Comment: This variant is classified as likely benign based on ACMG/AMP sequence variant interpretation guidelines (Richards et al. 2015 PMID: 25741868, with internal and published modifications).

NM_001370259.2(MEN1):c.808C>T (p.Leu270=)

Gene: MEN1 (menin 1; minus strand). Cytogenetic location: 11q13.1.
Variant type: single nucleotide variant.
Coding change: c.808C>T on transcript NM_001370259.2 (MANE Select); coding-DNA position 808, C replaced by T.
Protein change: p.Leu270=; no amino-acid change (leucine 270 retained).
Molecular consequence: synonymous variant.
Genome position (GRCh38, 1-based): chr11:64,807,195, G>A on the plus strand (C>T on the coding strand, the complement: MEN1 is on the minus strand). VCF-style: chr11-64807195-G-A. GRCh37 (hg19) VCF-style: chr11-64574667-G-A.
Other names: c.823C>T (NM_000244.3); c.823C>T, p.Leu275= (NM_000244.4, NM_130800.3, NM_130801.3 and 3 more transcripts); c.808C>T, p.Leu270= (NM_001370251.2, NM_001370260.2, NM_001370261.2 and 1 more transcripts); c.703C>T, p.Leu235= (NM_001370262.2, NM_001370263.2).
Identifiers: ClinVar variation 751147 (VCV000751147.17), dbSNP rs371556177, ClinGen allele CA061613.